The following is an entry in ClinVar:

NM_004629.2(FANCG):c.730G>A (p.Val244Met)

Gene: FANCG (FA complementation group G; minus strand). Cytogenetic location: 9p13.3.
Variant type: single nucleotide variant.
Coding change: c.730G>A on transcript NM_004629.2 (MANE Select); coding-DNA position 730, G replaced by A.
Protein change: p.Val244Met; replaces valine 244 with methionine.
Molecular consequence: missense variant.
Genome position (GRCh38, 1-based): chr9:35,077,018, C>T on the plus strand (G>A on the coding strand, the complement: FANCG is on the minus strand). VCF-style: chr9-35077018-C-T. GRCh37 (hg19) VCF-style: chr9-35077015-C-T.
Other names: short protein forms V244M.
Identifiers: ClinVar variation 408142 (VCV000408142.11), dbSNP rs746248064, ClinGen allele CA5039970.

ClinVar aggregate classification (germline): Uncertain significance. Review status: criteria provided, multiple submitters, no conflicts (2 of 4 stars). 5 submissions from 5 submitters: Uncertain significance (4). 1 of the submissions does not count toward it. Last evaluated 2024-01-28.

Conditions:
Fanconi anemia (FA). Also called: Fanconi's anemia. Identifiers: Orphanet 84, MedGen C0015625, MeSH D005199, MONDO:0019391.
Fanconi anemia complementation group G. Also called: FANCG-Related Fanconi Anemia; Fanconi anemia group G. Identifiers: Orphanet 84, MedGen C3469527, MONDO:0013565, OMIM 614082.

Allele frequency attached by ClinVar (database versions not stated): gnomAD 0.00003; TOPMed 0.00005; gnomAD exomes 0.00010 and 0.00021; ExAC 0.00014.

Submissions (5):

Labcorp Genetics (formerly Invitae), Labcorp
Classification: Uncertain significance for Fanconi anemia. Last evaluated: 2024-01-28. Review status: criteria provided, single submitter. Criteria: Invitae Variant Classification Sherloc (09022015). Collection method: clinical testing. Allele origin: germline.
Comment: This sequence change replaces valine, which is neutral and non-polar, with methionine, which is neutral and non-polar, at codon 244 of the FANCG protein (p.Val244Met). This variant is present in population databases (rs746248064, gnomAD 0.2%). This variant has not been reported in the literature in individuals affected with FANCG-related conditions. ClinVar contains an entry for this variant (Variation ID: 408142). Advanced modeling of protein sequence and biophysical properties (such as structural, functional, and spatial information, amino acid conservation, physicochemical variation, residue mobility, and thermodynamic stability) performed at Invitae indicates that this missense variant is not expected to disrupt FANCG protein function with a negative predictive value of 80%. In summary, the available evidence is currently insufficient to determine the role of this variant in disease. Therefore, it has been classified as a Variant of Uncertain Significance.

Sema4
Classification: Uncertain significance for Fanconi anemia. Last evaluated: 2021-04-04. Review status: criteria provided, single submitter. Criteria: Sema4 Curation Guidelines. Collection method: curation. Allele origin: germline.
Comment: The FANCG c.730G>A (p.V244M) variant has not been reported in the literature to our knowledge. It was observed in 53/35436 chromosomes, with no homozygotes, of the Latino subpopulation in the large and broad cohorts of the Genome Aggregation Database (PMID: 32461654). The variant has been reported in ClinVar (Variation ID: 408142). In silico tools suggest the impact of the variant on protein function is inconclusive, though these predictions have not been confirmed by functional studies. The evidence is insufficient to meet ACMG/AMP criteria for classifying the variant as benign or pathogenic. Thus, the clinical significance of this variant is currently uncertain.

Baylor Genetics
Classification: Uncertain significance for Fanconi anemia complementation group G. Last evaluated: 2019-12-04. Review status: criteria provided, single submitter. Criteria: ACMG Guidelines, 2015. Collection method: clinical testing. Allele origin: unknown. Affected: yes. Study: CSER-TexasKidsCanSeq.
Comment: This variant was determined to be of uncertain significance according to ACMG Guidelines, 2015 [PMID:25741868].

Fulgent Genetics
Classification: Uncertain significance for Fanconi anemia complementation group G. Last evaluated: 2018-10-31. Review status: criteria provided, single submitter. Criteria: ACMG Guidelines, 2015. Collection method: clinical testing. Allele origin: unknown.

Natera, Inc.
Classification: Uncertain significance for Fanconi anemia group G. Last evaluated: 2020-04-13. Review status: no assertion criteria provided. Collection method: clinical testing. Allele origin: germline. Not counted in ClinVar's aggregate classification.